The following is an entry in ClinVar:

ClinVar aggregate classification (germline): Uncertain significance (1 of 4 stars; one submission).

Conditions:
Fanconi anemia complementation group J. Also called: BRIP1-Related Fanconi Anemia. Identifiers: Orphanet 84, MedGen C1836860, MONDO:0012187, OMIM 609054.
Familial cancer of breast. Also called: BREAST CANCER, FAMILIAL; Hereditary breast cancer; hereditary breast carcinoma. Identifiers: Orphanet 227535, MedGen C0346153, MONDO:0016419, OMIM 114480. Disease mechanism: loss of function.

Submission:

Labcorp Genetics (formerly Invitae), Labcorp
Classification: Uncertain significance for Familial cancer of breast; Fanconi anemia complementation group J. Last evaluated: 2024-04-27. Review status: criteria provided, single submitter. Criteria: Invitae Variant Classification Sherloc (09022015). Collection method: clinical testing. Allele origin: germline.
Comment: This sequence change replaces glutamine, which is neutral and polar, with proline, which is neutral and non-polar, at codon 540 of the BRIP1 protein (p.Gln540Pro). This variant is not present in population databases (gnomAD no frequency). This variant has not been reported in the literature in individuals affected with BRIP1-related conditions. Advanced modeling of protein sequence and biophysical properties (such as structural, functional, and spatial information, amino acid conservation, physicochemical variation, residue mobility, and thermodynamic stability) performed at Invitae indicates that this missense variant is not expected to disrupt BRIP1 protein function with a negative predictive value of 80%. In summary, the available evidence is currently insufficient to determine the role of this variant in disease. Therefore, it has been classified as a Variant of Uncertain Significance.

NM_032043.3(BRIP1):c.1619A>C (p.Gln540Pro)

Gene: BRIP1 (BRCA1 interacting DNA helicase 1; minus strand). Cytogenetic location: 17q23.2.
Variant type: single nucleotide variant.
Coding change: c.1619A>C on transcript NM_032043.3 (MANE Select); coding-DNA position 1619, A replaced by C.
Protein change: p.Gln540Pro; replaces glutamine 540 with proline.
Molecular consequence: missense variant.
Genome position (GRCh38, 1-based): chr17:61,784,279, T>G on the plus strand (A>C on the coding strand, the complement: BRIP1 is on the minus strand). VCF-style: chr17-61784279-T-G. GRCh37 (hg19) VCF-style: chr17-59861640-T-G.
Other names: short protein forms Q540P.
Identifiers: ClinVar variation 3756079 (VCV003756079.2).